The following is an entry in ClinVar:

ClinVar aggregate classification (germline): Likely benign. Review status: criteria provided, multiple submitters, no conflicts (2 of 4 stars). 3 submissions from 3 submitters: Likely benign (3). Last evaluated 2025-12-10.

Conditions:
Inborn genetic diseases. Identifiers: MedGen C0950123, MeSH D030342.
Fructose-biphosphatase deficiency (FBP1D). Also called: Fructose-1,6-Diphosphatase Deficiency; Fructose 1,6 Bisphosphatase Deficiency; Fructose-1,6-Bisphosphatase 1 Deficiency. Identifiers: Orphanet 348, MedGen C0016756, MONDO:0009251, OMIM 229700.

Allele frequency attached by ClinVar (database versions not stated): gnomAD 0.00003; ExAC 0.00005.
gnomAD v4.1: 22 of 1,600,928 alleles (0.0014%); highest among the groups gnomAD compares: Admixed American, 0.038%; no homozygotes.

Submissions (3):

Labcorp Genetics (formerly Invitae), Labcorp
Classification: Likely benign for Fructose-biphosphatase deficiency. Last evaluated: 2025-12-10. Review status: criteria provided, single submitter. Criteria: Invitae Variant Classification Sherloc (09022015). Collection method: clinical testing. Allele origin: germline.

Mayo Clinic Laboratories, Mayo Clinic
Classification: Likely benign. Last evaluated: 2025-03-24. Review status: criteria provided, single submitter. Criteria: ACMG Guidelines, 2015. Collection method: clinical testing. Allele origin: germline. Observed: 1 variant allele.
Comment: BP4, BP7

Ambry Genetics
Classification: Likely benign for Inborn genetic diseases. Last evaluated: 2024-11-08. Review status: criteria provided, single submitter. Criteria: Ambry Variant Classification Scheme 2023. Collection method: clinical testing. Allele origin: germline.

Literature cited by the submitters: PubMed 33057194 (cited by Mayo Clinic Laboratories, Mayo Clinic).

NM_000507.4(FBP1):c.84G>C (p.Thr28=)

Gene: FBP1 (fructose-bisphosphatase 1; minus strand). Cytogenetic location: 9q22.32.
Variant type: single nucleotide variant.
Coding change: c.84G>C on transcript NM_000507.4 (MANE Select); coding-DNA position 84, G replaced by C.
Protein change: p.Thr28=; no amino-acid change (threonine 28 retained).
Molecular consequence: synonymous variant.
Genome position (GRCh38, 1-based): chr9:94,639,227, C>G on the plus strand (G>C on the coding strand, the complement: FBP1 is on the minus strand). VCF-style: chr9-94639227-C-G. GRCh37 (hg19) VCF-style: chr9-97401509-C-G.
Other names: p.Thr28=; c.84G>C, p.Thr28= (NM_001127628.2); c.84G>C (NM_000507.3).
Identifiers: ClinVar variation 2914719 (VCV002914719.5), dbSNP rs774456590, ClinGen allele CA5136344.